The following is an entry in ClinVar:

ClinVar aggregate classification (germline): Benign/Likely benign. Review status: criteria provided, multiple submitters, no conflicts (2 of 4 stars). 3 submissions from 3 submitters: Benign (1); Likely benign (2). Last evaluated 2026-04-01.

Conditions:
Dextro-looped transposition of the great arteries. Also called: Dextrotransposition of the great arteries. Identifiers: Orphanet 860, MedGen C3531771, MONDO:0019443, OMIM 608808, HP:0031348.

Allele frequency attached by ClinVar (database versions not stated): gnomAD exomes 0.00007 and 0.00016; ExAC 0.00009; 1000 Genomes Project 30x 0.00016; 1000 Genomes Project 0.00020; gnomAD 0.00023 and 0.00024; TOPMed 0.00027.
gnomAD v4.1: 141 of 1,614,120 alleles (0.0087%); highest among the groups gnomAD compares: Admixed American, 0.09%; no homozygotes.

Submissions (3):

CeGaT Center for Human Genetics Tuebingen
Classification: Likely benign. Last evaluated: 2026-04-01. Review status: criteria provided, single submitter. Criteria: CeGaT Center For Human Genetics Tuebingen Variant Classification Criteria Version 2. Collection method: clinical testing. Allele origin: germline. Affected: yes. Observed: 2 variant alleles.
Comment: MED13L: BP4, BP7

Labcorp Genetics (formerly Invitae), Labcorp
Classification: Likely benign for Dextro-looped transposition of the great arteries. Last evaluated: 2026-01-26. Review status: criteria provided, single submitter. Criteria: Invitae Variant Classification Sherloc (09022015). Collection method: clinical testing. Allele origin: germline.

GeneDx
Classification: Benign. Last evaluated: 2020-02-05. Review status: criteria provided, single submitter. Criteria: GeneDx Variant Classification Process June 2021. Collection method: clinical testing. Allele origin: germline. Affected: yes.

NM_015335.5(MED13L):c.5502C>T (p.His1834=)

Gene: MED13L (mediator complex subunit 13L; minus strand). Cytogenetic location: 12q24.21.
Variant type: single nucleotide variant.
Coding change: c.5502C>T on transcript NM_015335.5 (MANE Select); coding-DNA position 5502, C replaced by T.
Protein change: p.His1834=; no amino-acid change (histidine 1834 retained).
Molecular consequence: synonymous variant.
Genome position (GRCh38, 1-based): chr12:115,975,601, G>A on the plus strand (C>T on the coding strand, the complement: MED13L is on the minus strand). VCF-style: chr12-115975601-G-A. GRCh37 (hg19) VCF-style: chr12-116413406-G-A.
Identifiers: ClinVar variation 695789 (VCV000695789.12), dbSNP rs200440551, ClinGen allele CA6810577.